The following is an entry in ClinVar:

ClinVar aggregate classification (germline): Likely benign. Review status: criteria provided, single submitter (1 of 4 stars). 2 submissions from 2 submitters: Likely benign (1). 1 of the submissions does not count toward it. Last evaluated 2024-03-14.

Conditions:
LOXHD1-related disorder. Also called: LOXHD1-related condition.

Allele frequency attached by ClinVar (database versions not stated): TOPMed 0.00003; gnomAD 0.00004; gnomAD exomes 0.00004 and 0.00009; ExAC 0.00005; 1000 Genomes Project 30x 0.00016; 1000 Genomes Project 0.00020.
gnomAD v4.1: 129 of 1,551,858 alleles (0.0083%); highest among the groups gnomAD compares: Non-Finnish European, 0.011%; no homozygotes.

Submissions (2):

Labcorp Genetics (formerly Invitae), Labcorp
Classification: Likely benign. Last evaluated: 2024-03-14. Review status: criteria provided, single submitter. Criteria: Invitae Variant Classification Sherloc (09022015). Collection method: clinical testing. Allele origin: germline.

PreventionGenetics, part of Exact Sciences
Classification: Likely benign for LOXHD1-related condition. Last evaluated: 2020-01-10. Review status: no assertion criteria provided. Collection method: clinical testing. Allele origin: germline. Not counted in ClinVar's aggregate classification.
Comment: This variant is classified as likely benign based on ACMG/AMP sequence variant interpretation guidelines (Richards et al. 2015 PMID: 25741868, with internal and published modifications).

NM_001384474.1(LOXHD1):c.6483A>G (p.Thr2161=)

Gene: LOXHD1 (lipoxygenase homology PLAT domains 1; minus strand). Cytogenetic location: 18q21.1.
Variant type: single nucleotide variant.
Coding change: c.6483A>G on transcript NM_001384474.1 (MANE Select); coding-DNA position 6483, A replaced by G.
Protein change: p.Thr2161=; no amino-acid change (threonine 2161 retained).
Molecular consequence: synonymous variant.
Genome position (GRCh38, 1-based): chr18:46,477,811, T>C on the plus strand (A>G on the coding strand, the complement: LOXHD1 is on the minus strand). VCF-style: chr18-46477811-T-C. GRCh37 (hg19) VCF-style: chr18-44057774-T-C.
Other names: c.3150A>G, p.Thr1050= (NM_001145472.3); c.1200A>G, p.Thr400= (NM_001145473.3, NM_001173129.2); c.2862A>G, p.Thr954= (NM_001308013.2); c.6297A>G, p.Thr2099= (NM_144612.7).
Identifiers: ClinVar variation 799584 (VCV000799584.13), dbSNP rs568443351, ClinGen allele CA8952041.